The following is an entry in ClinVar:

NM_000059.4(BRCA2):c.4278A>G (p.Thr1426=)

Gene: BRCA2 (BRCA2 DNA repair associated; plus strand). Cytogenetic location: 13q13.1.
Variant type: single nucleotide variant.
Coding change: c.4278A>G on transcript NM_000059.4 (MANE Select); coding-DNA position 4278, A replaced by G.
Protein change: p.Thr1426=; no amino-acid change (threonine 1426 retained).
Molecular consequence: synonymous variant.
Genome position (GRCh38, 1-based): chr13:32,338,633, A>G. VCF-style: chr13-32338633-A-G. GRCh37 (hg19) VCF-style: chr13-32912770-A-G.
Identifiers: ClinVar variation 491273 (VCV000491273.19), dbSNP rs1555283682, ClinGen allele CA483438133.
Genomic context (GRCh38, chr13:32,338,633, plus strand): 5'-AGAACAGTTAACTGCTACTAAAACGGAGCAAAATATAAAAGATTTTGAGACTTCTGATAC[A>G]TTTTTTCAGACTGCAAGTGGGAAAAATATTAGTGTCGCCAAAGAGTCATTTAATAAAATT-3'
Protein context (NP_000050.3, residues 1416-1436): QNIKDFETSD[Thr1426=]FFQTASGKNI

ClinVar aggregate classification (germline): Likely benign. Review status: criteria provided, multiple submitters, no conflicts (2 of 4 stars). 5 submissions from 5 submitters: Likely benign (4). 1 of the submissions does not count toward it. Last evaluated 2024-11-28.

Conditions:
Hereditary cancer-predisposing syndrome. Also called: Hereditary neoplastic syndrome; Tumor predisposition; Hereditary Cancer Syndrome; Neoplastic Syndromes, Hereditary. Identifiers: Orphanet 140162, MedGen C0027672, MeSH D009386, MONDO:0015356.
Hereditary breast ovarian cancer syndrome. Also called: Hereditary breast and/or ovarian cancer syndrome; BRCA1- and BRCA2-Associated Hereditary Breast and Ovarian Cancer; Breast and ovarian cancer; Hereditary breast and ovarian cancer; Hereditary breast and ovarian cancer syndrome; Hereditary breast and ovarian cancer syndrome (HBOC). Identifiers: Orphanet 145, MedGen C0677776, MeSH D061325, MONDO:0003582. Disease mechanism: loss of function.
Malignant tumor of breast. Also called: Malignant breast neoplasm; Cancer breast. Identifiers: MedGen C0006142, MONDO:0007254. Disease mechanism: loss of function.

Allele frequency attached by ClinVar (database versions not stated): gnomAD exomes below 0.00001.
gnomAD v4.1: 1 of 1,598,754 alleles (0.000063%); highest among the groups gnomAD compares: Non-Finnish European, 0.000085%; no homozygotes.

Submissions (5):

Women's Health and Genetics/Laboratory Corporation of America, LabCorp
Classification: Likely benign. Last evaluated: 2024-11-28. Review status: criteria provided, single submitter. Criteria: LabCorp Variant Classification Summary - May 2015. Collection method: clinical testing. Allele origin: germline.

Labcorp Genetics (formerly Invitae), Labcorp
Classification: Likely benign for Hereditary breast ovarian cancer syndrome. Last evaluated: 2024-09-06. Review status: criteria provided, single submitter. Criteria: Invitae Variant Classification Sherloc (09022015). Collection method: clinical testing. Allele origin: germline.

Ambry Genetics
Classification: Likely benign for Hereditary cancer-predisposing syndrome. Last evaluated: 2019-01-24. Review status: criteria provided, single submitter. Criteria: Ambry Variant Classification Scheme 2023. Collection method: clinical testing. Allele origin: germline.

Color Diagnostics, LLC DBA Color Health
Classification: Likely benign for Hereditary cancer-predisposing syndrome. Last evaluated: 2017-01-10. Review status: criteria provided, single submitter. Criteria: ACMG Guidelines, 2015. Collection method: clinical testing. Allele origin: germline.

Department of Pathology and Laboratory Medicine, Sinai Health System
Classification: Likely benign for Malignant tumor of breast. Review status: no assertion criteria provided. Collection method: clinical testing. Allele origin: unknown. Affected: yes. Observed: 1 variant allele. Study: The Canadian Open Genetics Repository (COGR). Not counted in ClinVar's aggregate classification.
Comment: The BRCA2 p.Thr1426= variant was not identified in the literature nor was it identified in the dbSNP, GeneInsight-COGR, Clinvitae, Cosmic, LOVD 3.0, UMD-LSDB, BIC Database, ARUP Laboratories, or Zhejiang University databases. The variant was only identified in ClinVar (classified as likely benign by Color Genomics) database. The variant was not identified in the following control databases: the 1000 Genomes Project, the NHLBI GO Exome Sequencing Project, the Exome Aggregation Consortium (August 8th 2016), or the Genome Aggregation Database (Feb 27, 2017). The p.Thr1426= variant is not expected to have clinical significance because it does not result in a change of amino acid and is not located in a known consensus splice site. In addition, in silico or computational prediction software programs (SpliceSiteFinder, MaxEntScan, NNSPLICE, GeneSplicer, HumanSpliceFinder) do not predict a difference in splicing. The variant occurs outside of the splicing consensus sequence and in silico or computational prediction software programs (SpliceSiteFinder, MaxEntScan, NNSPLICE, GeneSplicer, HumanSpliceFinder) do not predict a difference in splicing. In summary, based on the above information the clinical significance of this variant cannot be determined with certainty at this time although we would lean towards a more benign role for this variant. This variant is classified as likely benign.